The following is an entry in ClinVar:

NM_015311.3(OBSL1):c.1393G>T (p.Gly465Trp)

Gene: OBSL1 (obscurin like cytoskeletal adaptor 1; minus strand). Cytogenetic location: 2q35.
Variant type: single nucleotide variant.
Coding change: c.1393G>T on transcript NM_015311.3 (MANE Select); coding-DNA position 1393, G replaced by T.
Protein change: p.Gly465Trp; replaces glycine 465 with tryptophan.
Molecular consequence: missense variant.
Genome position (GRCh38, 1-based): chr2:219,567,859, C>A on the plus strand (G>T on the coding strand, the complement: OBSL1 is on the minus strand). VCF-style: chr2-219567859-C-A. GRCh37 (hg19) VCF-style: chr2-220432581-C-A.
Other names: c.1393G>T, p.Gly465Trp (NM_001173408.2, NM_001173431.2); short protein forms G465W.
Identifiers: ClinVar variation 5006233 (VCV005006233.2).
Genomic context (GRCh38, chr2:219,567,859, plus strand): 5'-GAAGGACCAGGGCATGCATGTGGCCTGAGCTGCTCTGGCAGATGACCGGCAGCTCCTCCC[C>A]ATCACGGCTCCAGCGTCCCTCGACCCCGGCCTCTAGAGTTTCCACTAGCAGCACAGCATT-3'
Protein context (NP_056126.1, residues 455-475): AGVEGRWSRD[Gly465Trp]EELPVICQSS

ClinVar aggregate classification (germline): Uncertain significance (1 of 4 stars; one submission).

Conditions:
3M syndrome 2. Also called: 3-M Syndrome, OBSL1-Related; THREE M SYNDROME 2. Identifiers: Orphanet 2616, MedGen C2752041, MONDO:0013039, OMIM 612921.

Submission:

Juno Genomics, Hangzhou Juno Genomics, Inc
Classification: Uncertain significance for 3M syndrome 2. Review status: criteria provided, single submitter. Criteria: ACMG Guidelines, 2015. Collection method: clinical testing. Allele origin: germline.
Comment: Absent from controls (or at extremely low frequency if recessive) in Genome Aggregation Database.;Multiple lines of computational evidence support a deleterious effect on the gene or gene product.